The following is an entry in ClinVar:

ClinVar aggregate classification (germline): Likely benign (1 of 4 stars; one submission).

Allele frequency attached by ClinVar (database versions not stated): ESP Exome Variant Server 0.00015; TOPMed 0.00042; ExAC 0.00046; gnomAD 0.00066.
gnomAD v4.1: 577 of 1,611,192 alleles (0.036%); highest among the groups gnomAD compares: Non-Finnish European, 0.034%; 2 homozygotes.

Submission:

CeGaT Center for Human Genetics Tuebingen
Classification: Likely benign. Last evaluated: 2022-05-01. Review status: criteria provided, single submitter. Criteria: CeGaT Center For Human Genetics Tuebingen Variant Classification Criteria Version 2. Collection method: clinical testing. Allele origin: germline. Affected: yes. Observed: 1 variant allele.
Comment: ADCY7: BP4, BP7

NM_001114.5(ADCY7):c.1785C>T (p.His595=)

Gene: ADCY7 (adenylate cyclase 7; plus strand). Cytogenetic location: 16q12.1.
Variant type: single nucleotide variant.
Coding change: c.1785C>T on transcript NM_001114.5 (MANE Select); coding-DNA position 1785, C replaced by T.
Protein change: p.His595=; no amino-acid change (histidine 595 retained).
Molecular consequence: synonymous variant.
Genome position (GRCh38, 1-based): chr16:50,307,082, C>T. VCF-style: chr16-50307082-C-T. GRCh37 (hg19) VCF-style: chr16-50340993-C-T.
Other names: c.1785C>T, p.His595= (NM_001286057.2).
Identifiers: ClinVar variation 2646506 (VCV002646506.24), dbSNP rs143098353, ClinGen allele CA8048973.